The following is an entry in ClinVar:

ClinVar aggregate classification (germline): Uncertain significance. Review status: criteria provided, multiple submitters, no conflicts (2 of 4 stars). 5 submissions from 5 submitters: Uncertain significance (5). Last evaluated 2026-09-13.

Conditions:
PEX16-related disorder. Also called: PEX16-related condition.
Inborn genetic diseases. Identifiers: MedGen C0950123, MeSH D030342.
Peroxisome biogenesis disorder. Identifiers: Orphanet 79189, MedGen C1832200, MONDO:0019234. Disease mechanism: loss of function.

Allele frequency attached by ClinVar (database versions not stated): gnomAD exomes 0.00001 and 0.00002; gnomAD 0.00002; TOPMed 0.00002.

Submissions (5):

PreventionGenetics, part of Exact Sciences
Classification: Uncertain significance for PEX16-related condition. Last evaluated: 2026-09-13. Review status: criteria provided, single submitter. Criteria: ACMG Guidelines, 2015. Collection method: clinical testing. Allele origin: germline.
Comment: The PEX16 c.472A>G variant is predicted to result in the amino acid substitution p.Ser158Gly. To our knowledge, this variant has not been reported in the literature. This variant is reported in 0.0087% of alleles in individuals of Latino descent in gnomAD. At this time, the clinical significance of this variant is uncertain due to the absence of conclusive functional and genetic evidence.

Labcorp Genetics (formerly Invitae), Labcorp
Classification: Uncertain significance for Peroxisome biogenesis disorder. Last evaluated: 2022-07-05. Review status: criteria provided, single submitter. Criteria: Invitae Variant Classification Sherloc (09022015). Collection method: clinical testing. Allele origin: germline.
Comment: This sequence change replaces serine, which is neutral and polar, with glycine, which is neutral and non-polar, at codon 158 of the PEX16 protein (p.Ser158Gly). This variant is present in population databases (no rsID available, gnomAD 0.009%). This variant has not been reported in the literature in individuals affected with PEX16-related conditions. ClinVar contains an entry for this variant (Variation ID: 497616). Algorithms developed to predict the effect of missense changes on protein structure and function output the following: SIFT: "Tolerated"; PolyPhen-2: "Benign"; Align-GVGD: "Class C0". The glycine amino acid residue is found in multiple mammalian species, which suggests that this missense change does not adversely affect protein function. In summary, the available evidence is currently insufficient to determine the role of this variant in disease. Therefore, it has been classified as a Variant of Uncertain Significance.

Ambry Genetics
Classification: Uncertain significance for Inborn genetic diseases. Last evaluated: 2021-06-18. Review status: criteria provided, single submitter. Criteria: Ambry Variant Classification Scheme 2023. Collection method: clinical testing. Allele origin: germline.

Revvity Omics, Revvity
Classification: Uncertain significance. Last evaluated: 2021-02-02. Review status: criteria provided, single submitter. Criteria: ACMG Guidelines, 2015. Collection method: clinical testing. Allele origin: germline.

Eurofins Ntd Llc (ga)
Classification: Uncertain significance. Last evaluated: 2016-09-27. Review status: criteria provided, single submitter. Criteria: EGL Classification Definitions 2015. Collection method: clinical testing. Allele origin: germline. Observed: 1 variant allele, 1 heterozygote.

NM_004813.4(PEX16):c.472A>G (p.Ser158Gly)

Gene: PEX16 (peroxisomal biogenesis factor 16; minus strand). Cytogenetic location: 11p11.2.
Variant type: single nucleotide variant.
Coding change: c.472A>G on transcript NM_004813.4 (MANE Select); coding-DNA position 472, A replaced by G.
Protein change: p.Ser158Gly; replaces serine 158 with glycine.
Molecular consequence: missense variant.
Genome position (GRCh38, 1-based): chr11:45,914,673, T>C on the plus strand (A>G on the coding strand, the complement: PEX16 is on the minus strand). VCF-style: chr11-45914673-T-C. GRCh37 (hg19) VCF-style: chr11-45936224-T-C.
Other names: c.472A>G (NM_004813.2); c.472A>G, p.Ser158Gly (NM_057174.3); short protein forms S158G.
Identifiers: ClinVar variation 497616 (VCV000497616.12), dbSNP rs1394054374, ClinGen allele CA380227469.